The following is an entry in ClinVar:

ClinVar aggregate classification (germline): Benign/Likely benign. Review status: criteria provided, multiple submitters, no conflicts (2 of 4 stars). 2 submissions from 2 submitters: Benign (1); Likely benign (1). Last evaluated 2025-03-07.

Conditions:
Congenital contractural arachnodactyly (CCA). Also called: BEALS SYNDROME; Beals-Hecht syndrome; Arthrogryposis, distal, type 9. Identifiers: Orphanet 115, MedGen C0220668, MONDO:0007363, OMIM 121050.

Allele frequency attached by ClinVar (database versions not stated): ExAC 0.00003.
gnomAD v4.1: 35 of 1,614,072 alleles (0.0022%); highest among the groups gnomAD compares: Admixed American, 0.01%; no homozygotes.

Submissions (2):

Labcorp Genetics (formerly Invitae), Labcorp
Classification: Benign for Congenital contractural arachnodactyly. Last evaluated: 2025-03-07. Review status: criteria provided, single submitter. Criteria: Invitae Variant Classification Sherloc (09022015). Collection method: clinical testing. Allele origin: germline.

GeneDx
Classification: Likely benign. Last evaluated: 2020-09-10. Review status: criteria provided, single submitter. Criteria: GeneDx Variant Classification Process June 2021. Collection method: clinical testing. Allele origin: germline. Affected: yes.
Comment: In silico analysis supports that this missense variant does not alter protein structure/function; Has not been previously published as pathogenic or benign to our knowledge

NM_001999.4(FBN2):c.8035G>A (p.Ala2679Thr)

Gene: FBN2 (fibrillin 2; minus strand). Cytogenetic location: 5q23.3.
Variant type: single nucleotide variant.
Coding change: c.8035G>A on transcript NM_001999.4 (MANE Select); coding-DNA position 8035, G replaced by A.
Protein change: p.Ala2679Thr; replaces alanine 2679 with threonine.
Molecular consequence: missense variant.
Genome position (GRCh38, 1-based): chr5:128,263,582, C>T on the plus strand (G>A on the coding strand, the complement: FBN2 is on the minus strand). VCF-style: chr5-128263582-C-T. GRCh37 (hg19) VCF-style: chr5-127599274-C-T.
Other names: short protein forms A2679T.
Identifiers: ClinVar variation 429330 (VCV000429330.11), dbSNP rs763870762, ClinGen allele CA3393951.